The following is an entry in ClinVar:

ClinVar aggregate classification (germline): Uncertain significance. Review status: criteria provided, multiple submitters, no conflicts (2 of 4 stars). 2 submissions from 2 submitters: Uncertain significance (2). Last evaluated 2024-05-30.

Conditions:
Charcot-Marie-Tooth disease type 2E (CMT2E). Also called: CHARCOT-MARIE-TOOTH DISEASE, AXONAL, TYPE 2E; CHARCOT-MARIE-TOOTH NEUROPATHY, TYPE 2E. Identifiers: Orphanet 99939, MedGen C1843225, MONDO:0011894, OMIM 607684.
Inborn genetic diseases. Identifiers: MedGen C0950123, MeSH D030342.

Allele frequency attached by ClinVar (database versions not stated): gnomAD 0.00001; gnomAD exomes 0.00001; TOPMed 0.00001; ExAC 0.00002.
gnomAD v4.1: 10 of 1,613,864 alleles (0.00062%); highest among the groups gnomAD compares: Admixed American, 0.0033%; no homozygotes.

Submissions (2):

Ambry Genetics
Classification: Uncertain significance for Inborn genetic diseases. Last evaluated: 2024-05-30. Review status: criteria provided, single submitter. Criteria: Ambry Variant Classification Scheme 2023. Collection method: clinical testing. Allele origin: germline.

Labcorp Genetics (formerly Invitae), Labcorp
Classification: Uncertain significance for Charcot-Marie-Tooth disease type 2E. Last evaluated: 2024-02-24. Review status: criteria provided, single submitter. Criteria: Invitae Variant Classification Sherloc (09022015). Collection method: clinical testing. Allele origin: germline.
Comment: This sequence change replaces glycine, which is neutral and non-polar, with serine, which is neutral and polar, at codon 425 of the NEFL protein (p.Gly425Ser). This variant is present in population databases (rs756314395, gnomAD 0.003%). This variant has not been reported in the literature in individuals affected with NEFL-related conditions. ClinVar contains an entry for this variant (Variation ID: 1492539). Advanced modeling of protein sequence and biophysical properties (such as structural, functional, and spatial information, amino acid conservation, physicochemical variation, residue mobility, and thermodynamic stability) has been performed at Invitae for this missense variant, however the output from this modeling did not meet the statistical confidence thresholds required to predict the impact of this variant on NEFL protein function. In summary, the available evidence is currently insufficient to determine the role of this variant in disease. Therefore, it has been classified as a Variant of Uncertain Significance.

NM_006158.5(NEFL):c.1273G>A (p.Gly425Ser)

Gene: NEFL (neurofilament light chain; minus strand). Cytogenetic location: 8p21.2.
Variant type: single nucleotide variant.
Coding change: c.1273G>A on transcript NM_006158.5 (MANE Select); coding-DNA position 1273, G replaced by A.
Protein change: p.Gly425Ser; replaces glycine 425 with serine.
Molecular consequence: missense variant.
Genome position (GRCh38, 1-based): chr8:24,953,692, C>T on the plus strand (G>A on the coding strand, the complement: NEFL is on the minus strand). VCF-style: chr8-24953692-C-T. GRCh37 (hg19) VCF-style: chr8-24811206-C-T.
Other names: c.1273G>A (NM_006158.3); short protein forms G425S.
Identifiers: ClinVar variation 1492539 (VCV001492539.7), dbSNP rs756314395, ClinGen allele CA4681304.
Genomic context (GRCh38, chr8:24,953,692, plus strand): 5'-TGGTGTAGTAGGACGGGAAGGAGCGGGTGGACATCAGATAGGAGCTGGTCTGTAAACCGC[C>T]GTAGGCAGATCGGCCAAAGACCTGGGAGCTCTGGGAGTAGCCACTGGTTATGCTTCCCAC-3'
Protein context (NP_006149.2, residues 415-435): SSQVFGRSAY[Gly425Ser]GLQTSSYLMS